The following is an entry in ClinVar:

ClinVar aggregate classification (germline): Uncertain significance (1 of 4 stars; one submission).

Submission:

GeneDx
Classification: Uncertain significance. Last evaluated: 2022-08-24. Review status: criteria provided, single submitter. Criteria: GeneDx Variant Classification Process June 2021. Collection method: clinical testing. Allele origin: germline. Affected: yes.
Comment: Not observed at significant frequency in large population cohorts (gnomAD); In silico analysis supports that this missense variant has a deleterious effect on protein structure/function; Has not been previously published as pathogenic or benign to our knowledge

NM_003107.3(SOX4):c.347G>C (p.Arg116Pro)

Gene: SOX4 (SRY-box transcription factor 4; plus strand). Cytogenetic location: 6p22.3.
Variant type: single nucleotide variant.
Coding change: c.347G>C on transcript NM_003107.3 (MANE Select); coding-DNA position 347, G replaced by C.
Protein change: p.Arg116Pro; replaces arginine 116 with proline.
Molecular consequence: missense variant.
Genome position (GRCh38, 1-based): chr6:21,594,881, G>C. VCF-style: chr6-21594881-G-C. GRCh37 (hg19) VCF-style: chr6-21595112-G-C.
Other names: short protein forms R116P.
Identifiers: ClinVar variation 2430671 (VCV002430671.1), dbSNP rs2532639476, ClinGen allele CA363270151.